The following is an entry in ClinVar:

NM_020975.6(RET):c.2833G>A (p.Val945Met)

Gene: RET (ret proto-oncogene; plus strand). Cytogenetic location: 10q11.21.
Variant type: single nucleotide variant.
Coding change: c.2833G>A on transcript NM_020975.6 (MANE Select); coding-DNA position 2833, G replaced by A.
Protein change: p.Val945Met; replaces valine 945 with methionine.
Molecular consequence: missense variant.
Genome position (GRCh38, 1-based): chr10:43,123,702, G>A. VCF-style: chr10-43123702-G-A. GRCh37 (hg19) VCF-style: chr10-43619150-G-A.
Other names: c.2833G>A, p.Val945Met (NM_000323.2, NM_020629.2, NM_020630.7 and 4 more transcripts); c.2071G>A, p.Val691Met (NM_001355216.2); c.2545G>A, p.Val849Met (NM_001406767.1, NM_001406770.1, NM_001406766.1); c.2569G>A, p.Val857Met (NM_001406768.1); c.2437G>A, p.Val813Met (NM_001406769.1, NM_001406772.1); c.2395G>A, p.Val799Met (NM_001406771.1, NM_001406773.1); c.2308G>A, p.Val770Met (NM_001406774.1); c.2107G>A, p.Val703Met (NM_001406775.1, NM_001406776.1, NM_001406777.1 and 1 more transcripts); and 10 more; short protein forms V945M, V691M, V510M, V603M, V606M, V703M, V799M, V849M.
Identifiers: ClinVar variation 136113 (VCV000136113.18), dbSNP rs587780811, ClinGen allele CA009100.
Genomic context (GRCh38, chr10:43,123,702, plus strand): 5'-CCACTCACTGGTCCTTTCACTCTCTGCAGATGGTCTTTTGGTGTCCTGCTGTGGGAGATC[G>A]TGACCCTAGGGGGAAACCCCTATCCTGGGATTCCTCCTGAGCGGCTCTTCAACCTTCTGA-3'
Protein context (NP_066124.1, residues 935-955): WSFGVLLWEI[Val945Met]TLGGNPYPGI

ClinVar aggregate classification (germline): Conflicting classifications of pathogenicity. Review status: criteria provided, conflicting classifications (1 of 4 stars). 7 submissions from 7 submitters: Uncertain significance (5); Likely benign (1). 1 of the submissions does not count toward it. Last evaluated 2026-06-26.

Conditions:
Hereditary cancer-predisposing syndrome. Also called: Tumor predisposition; Hereditary neoplastic syndrome; Hereditary Cancer Syndrome; Neoplastic Syndromes, Hereditary. Identifiers: Orphanet 140162, MedGen C0027672, MeSH D009386, MONDO:0015356.
Multiple endocrine neoplasia, type 2 (MEN2). Identifiers: Orphanet 653, MedGen C4048306, MONDO:0019003. Disease mechanism: gain of function.
Multiple endocrine neoplasia type 2A. Also called: MULTIPLE ENDOCRINE NEOPLASIA, TYPE IIA; PTC SYNDROME; SIPPLE SYNDROME; MEN 2A; MEN-2A syndrome; Pheochromocytoma and amyloid producing medullary thyroid carcinoma. Identifiers: Orphanet 247698, Orphanet 653, MedGen C0025268, MeSH D018813, MONDO:0008234, OMIM 171400.

Allele frequency attached by ClinVar (database versions not stated): TOPMed 0.00001; gnomAD exomes 0.00002 and 0.00001; ExAC 0.00003.
gnomAD v4.1: 15 of 1,614,158 alleles (0.00093%); highest among the groups gnomAD compares: Non-Finnish European, 0.0012%; no homozygotes.

Submissions (7):

Ambry Genetics
Classification: Likely benign for Hereditary cancer-predisposing syndrome. Last evaluated: 2026-06-26. Review status: criteria provided, single submitter. Criteria: Ambry Variant Classification Scheme 2023. Collection method: clinical testing. Allele origin: germline.

Labcorp Genetics (formerly Invitae), Labcorp
Classification: Uncertain significance for Multiple endocrine neoplasia, type 2. Last evaluated: 2026-01-27. Review status: criteria provided, single submitter. Criteria: Invitae Variant Classification Sherloc (09022015). Collection method: clinical testing. Allele origin: germline.
Comment: This sequence change replaces valine, which is neutral and non-polar, with methionine, which is neutral and non-polar, at codon 945 of the RET protein (p.Val945Met). This variant is present in population databases (rs587780811, gnomAD 0.004%). This missense change has been observed in individual(s) with pediatric cancer (PMID: 34771502). ClinVar contains an entry for this variant (Variation ID: 136113). An algorithm developed to predict the effect of missense changes on protein structure and function (PolyPhen-2) suggests that this variant is likely to be disruptive. In summary, the available evidence is currently insufficient to determine the role of this variant in disease. Therefore, it has been classified as a Variant of Uncertain Significance.

Center for Genomic Medicine, Rigshospitalet, Copenhagen University Hospital
Classification: Uncertain significance. Last evaluated: 2025-12-29. Review status: criteria provided, single submitter. Criteria: ACMG Guidelines, 2015. Collection method: clinical testing. Allele origin: germline.

Color Diagnostics, LLC DBA Color Health
Classification: Uncertain significance for Multiple endocrine neoplasia, type 2. Last evaluated: 2025-08-29. Review status: criteria provided, single submitter. Criteria: ACMG Guidelines, 2015. Collection method: clinical testing. Allele origin: germline.
Comment: This missense variant replaces valine with methionine at codon 945 of the RET protein. Computational prediction is inconclusive regarding the impact of this variant on protein structure and function. To our knowledge, functional studies have not been reported for this variant. This variant has been reported in an individual affected with leukemia (PMID: 34771502). This variant has been identified in 4/251480 chromosomes in the general population by the Genome Aggregation Database (gnomAD). The available evidence is insufficient to determine the role of this variant in disease conclusively. Therefore, this variant is classified as a Variant of Uncertain Significance.

All of Us Research Program, National Institutes of Health
Classification: Uncertain significance for Multiple endocrine neoplasia, type 2. Last evaluated: 2023-12-01. Review status: criteria provided, single submitter. Criteria: ACMG Guidelines, 2015. Collection method: clinical testing. Allele origin: germline. Inheritance: Autosomal dominant inheritance. Observed: 5 variant alleles, 5 heterozygotes.
Comment: This missense variant replaces valine with methionine at codon 945 of the RET protein. Computational prediction is inconclusive regarding the impact of this variant on protein structure and function (internally defined REVEL score threshold 0.5 < inconclusive < 0.7, PMID: 27666373). To our knowledge, functional studies have not been reported for this variant. This variant has not been reported in individuals affected with hereditary cancer in the literature. This variant has been identified in 4/251480 chromosomes in the general population by the Genome Aggregation Database (gnomAD). The available evidence is insufficient to determine the role of this variant in disease conclusively. Therefore, this variant is classified as a Variant of Uncertain Significance.

This study involves interpretation of variants in research participants for the purpose of population health screening. Participant phenotype was not available at the time of variant classification. Additional details can be found in publication PMID: 35346344, PMCID: PMC8962531

Sema4
Classification: Uncertain significance for Hereditary cancer-predisposing syndrome. Last evaluated: 2022-02-16. Review status: criteria provided, single submitter. Criteria: Sema4 Curation Guidelines. Collection method: curation. Allele origin: germline.
Comment: The RET c.2833G>A (p.V945M) variant has been reported in heterozygosity in at least 1 individual with acute lymphoblastic leukemia (PMID: 34771502). It was observed in 4/113758 chromosomes of the Non-Finnish European subpopulation in the large and broad cohorts of the Genome Aggregation Database (PMID: 32461654). This variant has been reported in ClinVar (Variation ID 136113). Functional studies have not been performed, and in silico predictions of the variant's effect on protein function are inconclusive. The evidence is insufficient to meet ACMG/AMP criteria for classifying the variant as benign or pathogenic. Thus, the clinical significance of this variant is currently uncertain.

Counsyl
Classification: Uncertain significance for Multiple endocrine neoplasia type 2A. Last evaluated: 2017-06-19. Review status: no assertion criteria provided. Collection method: clinical testing. Allele origin: unknown. Not counted in ClinVar's aggregate classification.

Literature cited by the submitters: PubMed 34771502 (cited by 3 submitters).